The following is an entry in ClinVar:

NM_004859.4(CLTC):c.3175G>T (p.Ala1059Ser)

Gene: CLTC (clathrin heavy chain; plus strand). Cytogenetic location: 17q23.1.
Variant type: single nucleotide variant.
Coding change: c.3175G>T on transcript NM_004859.4 (MANE Select); coding-DNA position 3175, G replaced by T.
Protein change: p.Ala1059Ser; replaces alanine 1059 with serine.
Molecular consequence: missense variant.
Genome position (GRCh38, 1-based): chr17:59,681,404, G>T. VCF-style: chr17-59681404-G-T. GRCh37 (hg19) VCF-style: chr17-57758765-G-T.
Other names: c.3187G>T, p.Ala1063Ser (NM_001288653.2); short protein forms A1059S, A1063S.
Identifiers: ClinVar variation 3722675 (VCV003722675.2).

ClinVar aggregate classification (germline): Uncertain significance (1 of 4 stars; one submission).

gnomAD v4.1: 3 of 1,613,774 alleles (0.00019%); highest among the groups gnomAD compares: Non-Finnish European, 0.00025%; no homozygotes.

Submission:

Labcorp Genetics (formerly Invitae), Labcorp
Classification: Uncertain significance. Last evaluated: 2024-09-10. Review status: criteria provided, single submitter. Criteria: Invitae Variant Classification Sherloc (09022015). Collection method: clinical testing. Allele origin: germline.
Comment: This sequence change replaces alanine, which is neutral and non-polar, with serine, which is neutral and polar, at codon 1063 of the CLTC protein (p.Ala1063Ser). This variant is not present in population databases (gnomAD no frequency). This variant has not been reported in the literature in individuals affected with CLTC-related conditions. Invitae Evidence Modeling of protein sequence and biophysical properties (such as structural, functional, and spatial information, amino acid conservation, physicochemical variation, residue mobility, and thermodynamic stability) indicates that this missense variant is not expected to disrupt CLTC protein function with a negative predictive value of 80%. In summary, the available evidence is currently insufficient to determine the role of this variant in disease. Therefore, it has been classified as a Variant of Uncertain Significance.